The following is an entry in ClinVar:

NM_001267550.2(TTN):c.70651C>T (p.Leu23551=)

Genes: TTN (titin; minus strand), TTN-AS1 (TTN antisense RNA 1; plus strand), LOC126806422 (BRD4-independent group 4 enhancer GRCh37_chr2:179440205-179441404; plus strand). Cytogenetic location: 2q31.2.
Variant type: single nucleotide variant.
Coding change: c.70651C>T on transcript NM_001267550.2 (MANE Select); coding-DNA position 70651, C replaced by T.
Protein change: p.Leu23551=; no amino-acid change (leucine 23551 retained).
Molecular consequence: synonymous variant.
Genome position (GRCh38, 1-based): chr2:178,575,481, G>A on the plus strand (C>T on the coding strand, the complement: TTN is on the minus strand). VCF-style: chr2-178575481-G-A. GRCh37 (hg19) VCF-style: chr2-179440208-G-A.
Other names: c.43456C>T, p.Leu14486= (NM_003319.4); c.43831C>T, p.Leu14611= (NM_133432.3); c.44032C>T, p.Leu14678= (NM_133437.4); c.65728C>T, p.Leu21910= (NM_001256850.1); c.62947C>T, p.Leu20983= (NM_133378.4).
Identifiers: ClinVar variation 96300 (VCV000096300.59), dbSNP rs72646889, ClinGen allele CA223961.

ClinVar aggregate classification (germline): Conflicting classifications of pathogenicity. Review status: criteria provided, conflicting classifications (1 of 4 stars). 18 submissions from 14 submitters: Uncertain significance (4); Benign (3); Likely benign (7). 4 of the submissions do not count toward it. Last evaluated 2026-04-01.

Conditions:
Cardiovascular phenotype. Identifiers: MedGen CN230736.
TTN-related disorder. Also called: TTN-related disorders; TTN-related condition; TTN-related disease.
Dilated cardiomyopathy 1G (CMD1G). Identifiers: Orphanet 154, MedGen C1858763, MONDO:0011400, OMIM 604145.
Autosomal recessive limb-girdle muscular dystrophy type 2J (LGMDR10). Also called: MUSCULAR DYSTROPHY, LIMB-GIRDLE, AUTOSOMAL RECESSIVE 10; Limb-girdle muscular dystrophy, type 2J. Identifiers: Orphanet 140922, MedGen C1837342, MONDO:0012127, OMIM 608807.
Myopathy, myofibrillar, 9, with early respiratory failure (MFM9). Also called: EDSTROM MYOPATHY; MYOPATHY, PROXIMAL, WITH EARLY RESPIRATORY MUSCLE INVOLVEMENT; Myopathy, distal, with early respiratory failure, autosomal dominant; Hereditary myopathy with early respiratory failure. Identifiers: Orphanet 178464, Orphanet 34521, MedGen C1863599, MONDO:0011362, OMIM 603689.
Early-onset myopathy with fatal cardiomyopathy (CMYO5). Also called: Salih Myopathy; CONGENITAL MYOPATHY 5 WITH CARDIOMYOPATHY. Identifiers: Orphanet 289377, MedGen C2673677, MONDO:0012714, OMIM 611705. Disease mechanism: loss of function.
Tibial muscular dystrophy (TMD). Also called: UDD MYOPATHY; Tibial muscular dystrophy, tardive; Udd Distal Myopathy – Tibial Muscular Dystrophy. Identifiers: Orphanet 609, MedGen C1838244, MONDO:0010870, OMIM 600334.

Allele frequency attached by ClinVar (database versions not stated): gnomAD 0.00011 and 0.00012; TOPMed 0.00013; ESP Exome Variant Server 0.00016; gnomAD exomes 0.00018 and 0.00023; ExAC 0.00025.
gnomAD v4.1: 298 of 1,613,682 alleles (0.018%); highest among the groups gnomAD compares: Middle Eastern, 0.45%; 1 homozygote.

Submissions (18):

CeGaT Center for Human Genetics Tuebingen
Classification: Likely benign. Last evaluated: 2026-04-01. Review status: criteria provided, single submitter. Criteria: CeGaT Center For Human Genetics Tuebingen Variant Classification Criteria Version 2. Collection method: clinical testing. Allele origin: germline. Affected: yes. Observed: 10 variant alleles.
Comment: TTN: BP4, BP7

Labcorp Genetics (formerly Invitae), Labcorp
Classification: Likely benign for Dilated cardiomyopathy 1G; Autosomal recessive limb-girdle muscular dystrophy type 2J. Last evaluated: 2026-01-29. Review status: criteria provided, single submitter. Criteria: Invitae Variant Classification Sherloc (09022015). Collection method: clinical testing. Allele origin: germline.

PreventionGenetics, part of Exact Sciences
Classification: Likely benign for TTN-related condition. Last evaluated: 2025-07-30. Review status: criteria provided, single submitter. Criteria: ACMG Guidelines, 2015. Collection method: clinical testing. Allele origin: germline.
Comment: This variant is classified as likely benign based on ACMG/AMP sequence variant interpretation guidelines (Richards et al. 2015 PMID: 25741868, with internal and published modifications).

Molecular Diagnostic Laboratory for Inherited Cardiovascular Disease, Montreal Heart Institute
Classification: Likely benign. Last evaluated: 2025-04-09. Review status: criteria provided, single submitter. Criteria: ACMG Guidelines, 2015. Collection method: clinical testing. Allele origin: germline. Affected: no.

Blueprint Genetics
Classification: Likely benign. Last evaluated: 2024-09-12. Review status: criteria provided, single submitter. Criteria: ACMG Guidelines, 2015. Collection method: clinical testing. Allele origin: germline.

Ambry Genetics
Classification: Likely benign for Cardiovascular phenotype. Last evaluated: 2019-08-22. Review status: criteria provided, single submitter. Criteria: Ambry Variant Classification Scheme 2023. Collection method: clinical testing. Allele origin: germline.

Illumina Laboratory Services, Illumina
Classification: Benign for Tibial muscular dystrophy. Last evaluated: 2018-01-12. Review status: criteria provided, single submitter. Criteria: ICSL Variant Classification Criteria 13 December 2019. Collection method: clinical testing. Allele origin: germline.
Comment: This variant was observed in the ICSL laboratory as part of a predisposition screen in an ostensibly healthy population. It had not been previously curated by ICSL or reported in the Human Gene Mutation Database (HGMD: prior to June 1st, 2018), and was therefore a candidate for classification through an automated scoring system. Utilizing variant allele frequency, disease prevalence and penetrance estimates, and inheritance mode, an automated score was calculated to assess if this variant is too frequent to cause the disease. Based on the score and internal cut-off values, a variant classified as benign is not then subjected to further curation. The score for this variant resulted in a classification of benign for this disease.

Illumina Laboratory Services, Illumina
Classification: Uncertain significance for Early-onset myopathy with fatal cardiomyopathy. Last evaluated: 2018-01-12. Review status: criteria provided, single submitter. Criteria: ICSL Variant Classification Criteria 13 December 2019. Collection method: clinical testing. Allele origin: germline.

Illumina Laboratory Services, Illumina
Classification: Benign for Myopathy, myofibrillar, 9, with early respiratory failure. Last evaluated: 2018-01-12. Review status: criteria provided, single submitter. Criteria: ICSL Variant Classification Criteria 13 December 2019. Collection method: clinical testing. Allele origin: germline.
Comment: the same text as in the submission from Illumina Laboratory Services, Illumina above.

Illumina Laboratory Services, Illumina
Classification: Uncertain significance for Dilated cardiomyopathy 1G. Last evaluated: 2018-01-12. Review status: criteria provided, single submitter. Criteria: ICSL Variant Classification Criteria 13 December 2019. Collection method: clinical testing. Allele origin: germline.

Illumina Laboratory Services, Illumina
Classification: Uncertain significance for Autosomal recessive limb-girdle muscular dystrophy type 2J. Last evaluated: 2018-01-12. Review status: criteria provided, single submitter. Criteria: ICSL Variant Classification Criteria 13 December 2019. Collection method: clinical testing. Allele origin: germline.

Eurofins Ntd Llc (ga)
Classification: Uncertain significance. Last evaluated: 2016-01-14. Review status: criteria provided, single submitter. Criteria: EGL Classification Definitions 2015. Collection method: clinical testing. Allele origin: germline. Observed: 2 variant alleles, 2 heterozygotes.

Laboratory for Molecular Medicine, Mass General Brigham Personalized Medicine
Classification: Likely benign. Last evaluated: 2015-05-14. Review status: criteria provided, single submitter. Criteria: LMM Criteria. Collection method: clinical testing. Allele origin: germline. Observed: 2 variant alleles.
Comment: p.Leu20983Leu in exon 275 of TTN: This variant is not expected to have clinical significance because it does not alter an amino acid residue and is not located within the splice consensus sequence. It has been identified in 22/66714 Europea n chromosomes by the Exome Aggregation Consortium (g/; dbSNP rs72646889).

GeneDx
Classification: Benign. Last evaluated: 2014-04-03. Review status: criteria provided, single submitter. Criteria: GeneDx Variant Classification (06012015). Collection method: clinical testing. Allele origin: germline. Affected: yes.
Comment: This variant is considered likely benign or benign based on one or more of the following criteria: it is a conservative change, it occurs at a poorly conserved position in the protein, it is predicted to be benign by multiple in silico algorithms, and/or has population frequency not consistent with disease.

Clinical Genetics DNA and cytogenetics Diagnostics Lab, Erasmus MC, Erasmus Medical Center
Classification: Likely benign. Review status: no assertion criteria provided. Collection method: clinical testing. Allele origin: germline. Affected: yes. Study: VKGL Data-share Consensus. Not counted in ClinVar's aggregate classification.

Diagnostic Laboratory, Department of Genetics, University Medical Center Groningen
Classification: Likely benign. Review status: no assertion criteria provided. Collection method: clinical testing. Allele origin: germline. Affected: yes. Study: VKGL Data-share Consensus. Not counted in ClinVar's aggregate classification.

Genome Diagnostics Laboratory, University Medical Center Utrecht
Classification: Likely benign. Review status: no assertion criteria provided. Collection method: clinical testing. Allele origin: germline. Affected: yes. Study: VKGL Data-share Consensus. Not counted in ClinVar's aggregate classification.

Joint Genome Diagnostic Labs from Nijmegen and Maastricht, Radboudumc and MUMC+
Classification: Likely benign. Review status: no assertion criteria provided. Collection method: clinical testing. Allele origin: germline. Affected: yes. Study: VKGL Data-share Consensus. Not counted in ClinVar's aggregate classification.